The following is an entry in ClinVar:

NM_017534.6(MYH2):c.5755G>A (p.Ala1919Thr)

Genes: MYH2 (myosin heavy chain 2; minus strand), MYHAS (myosin heavy chain gene cluster antisense RNA; plus strand). Cytogenetic location: 17p13.1.
Variant type: single nucleotide variant.
Coding change: c.5755G>A on transcript NM_017534.6 (MANE Select); coding-DNA position 5755, G replaced by A.
Protein change: p.Ala1919Thr; replaces alanine 1919 with threonine.
Molecular consequence: missense variant.
Genome position (GRCh38, 1-based): chr17:10,521,351, C>T on the plus strand (G>A on the coding strand, the complement: MYH2 is on the minus strand). VCF-style: chr17-10521351-C-T. GRCh37 (hg19) VCF-style: chr17-10424668-C-T.
Other names: c.5755G>A, p.Ala1919Thr (NM_001100112.2); short protein forms A1919T.
Identifiers: ClinVar variation 1054309 (VCV001054309.5), dbSNP rs1464949119, ClinGen allele CA398110186.

ClinVar aggregate classification (germline): Uncertain significance (1 of 4 stars; one submission).

Conditions:
Myopathy, proximal, and ophthalmoplegia (CMYO6). Also called: MYOPATHY WITH CONGENITAL JOINT CONTRACTURES, OPHTHALMOPLEGIA, AND RIMMED VACUOLES; INCLUSION BODY MYOPATHY 3, AUTOSOMAL DOMINANT; CONGENITAL MYOPATHY 6 WITH OPHTHALMOPLEGIA. Identifiers: Orphanet 363677, Orphanet 79091, MedGen C1854106, MONDO:0011577, OMIM 605637.

Allele frequency attached by ClinVar (database versions not stated): gnomAD exomes below 0.00001.

Submission:

Labcorp Genetics (formerly Invitae), Labcorp
Classification: Uncertain significance for Myopathy, proximal, and ophthalmoplegia. Last evaluated: 2020-09-02. Review status: criteria provided, single submitter. Criteria: Invitae Variant Classification Sherloc (09022015). Collection method: clinical testing. Allele origin: germline.
Comment: In summary, the available evidence is currently insufficient to determine the role of this variant in disease. Therefore, it has been classified as a Variant of Uncertain Significance. Algorithms developed to predict the effect of missense changes on protein structure and function (SIFT, PolyPhen-2, Align-GVGD) all suggest that this variant is likely to be disruptive, but these predictions have not been confirmed by published functional studies and their clinical significance is uncertain. This variant has not been reported in the literature in individuals with MYH2-related conditions. This variant is not present in population databases (ExAC no frequency). This sequence change replaces alanine with threonine at codon 1919 of the MYH2 protein (p.Ala1919Thr). The alanine residue is highly conserved and there is a small physicochemical difference between alanine and threonine.